The following is an entry in ClinVar:

ClinVar aggregate classification (germline): Likely benign. Review status: criteria provided, multiple submitters, no conflicts (2 of 4 stars). 2 submissions from 2 submitters: Likely benign (2). Last evaluated 2024-03-03.

Conditions:
Congenital adrenal hyperplasia due to cytochrome P450 oxidoreductase deficiency. Also called: DISORDERED STEROIDOGENESIS DUE TO POR DEFICIENCY. Identifiers: Orphanet 95699, MedGen C1860042, MONDO:0013310, OMIM 613571.

Allele frequency attached by ClinVar (database versions not stated): ExAC 0.00001; gnomAD exomes 0.00001; 1000 Genomes Project 30x 0.00016; 1000 Genomes Project 0.00020.
gnomAD v4.1: 22 of 1,612,546 alleles (0.0014%); highest among the groups gnomAD compares: South Asian, 0.0055%; no homozygotes.

Submissions (2):

Labcorp Genetics (formerly Invitae), Labcorp
Classification: Likely benign for Congenital adrenal hyperplasia due to cytochrome P450 oxidoreductase deficiency. Last evaluated: 2024-03-03. Review status: criteria provided, single submitter. Criteria: Invitae Variant Classification Sherloc (09022015). Collection method: clinical testing. Allele origin: germline.

CeGaT Center for Human Genetics Tuebingen
Classification: Likely benign. Last evaluated: 2022-09-01. Review status: criteria provided, single submitter. Criteria: CeGaT Center For Human Genetics Tuebingen Variant Classification Criteria Version 2. Collection method: clinical testing. Allele origin: germline. Affected: yes. Observed: 1 variant allele.
Comment: POR: BP4, BP7

NM_001395413.1(POR):c.753C>T (p.Thr251=)

Gene: POR (cytochrome p450 oxidoreductase; plus strand). Cytogenetic location: 7q11.23.
Variant type: single nucleotide variant.
Coding change: c.753C>T on transcript NM_001395413.1 (MANE Select); coding-DNA position 753, C replaced by T.
Protein change: p.Thr251=; no amino-acid change (threonine 251 retained).
Molecular consequence: synonymous variant.
Genome position (GRCh38, 1-based): chr7:75,982,254, C>T. VCF-style: chr7-75982254-C-T. GRCh37 (hg19) VCF-style: chr7-75611572-C-T.
Other names: c.762C>T, p.Thr254= (NM_000941.2, NM_000941.3); c.753C>T, p.Thr251= (NM_001367562.3, NM_001382657.2, NM_001382658.3 and 2 more transcripts); c.807C>T, p.Thr269= (NM_001382655.3).
Identifiers: ClinVar variation 2657618 (VCV002657618.27), dbSNP rs575587599, ClinGen allele CA4303823.